The following is an entry in ClinVar:

NM_001378457.1(DMXL2):c.2764_2764+3del

Gene: DMXL2 (Dmx like 2; minus strand). Cytogenetic location: 15q21.2.
Variant type: Deletion.
Coding change: c.2764_2764+3del on transcript NM_001378457.1 (MANE Select); coding-DNA position 2764 through 3 bases into the intron after coding-DNA position 2764, 4 bases deleted (GGTA; older notation c.2764_2764+3delGGTA).
Molecular consequence: splice donor variant.
Genome position (GRCh38, 1-based): chr15:51,507,131-51,507,134, TACC deleted on the plus strand (GGTA on the coding strand, the reverse complement: DMXL2 is on the minus strand); deleting any 4 consecutive bases within chr15:51,507,131-51,507,136 gives the same sequence; the c. name uses the placement nearest the transcript's 3' end. VCF-style (leftmost placement, unchanged base first): chr15-51507130-TTACC-T. GRCh37 (hg19) VCF-style: chr15-51799327-TTACC-T.
Other names: c.2764_2764+3del (NM_001378460.1, NM_001174117.3, NM_015263.5 and 6 more transcripts); c.2524_2524+3del (NM_001378464.1).
Identifiers: ClinVar variation 1485497 (VCV001485497.6), dbSNP rs2140551864, ClinGen allele CA2573150998.

ClinVar aggregate classification (germline): Likely pathogenic (1 of 4 stars; one submission).

Submission:

Labcorp Genetics (formerly Invitae), Labcorp
Classification: Likely pathogenic. Last evaluated: 2021-11-23. Review status: criteria provided, single submitter. Criteria: Invitae Variant Classification Sherloc (09022015). Collection method: clinical testing. Allele origin: germline.
Comment: This variant has not been reported in the literature in individuals affected with DMXL2-related conditions. Algorithms developed to predict the effect of sequence changes on RNA splicing suggest that this variant may disrupt the consensus splice site. In summary, the currently available evidence indicates that the variant is pathogenic, but additional data are needed to prove that conclusively. Therefore, this variant has been classified as Likely Pathogenic. This variant is not present in population databases (gnomAD no frequency). This variant results in the deletion of part of exon 16 (c.2764_2764+3del) of the DMXL2 gene. It is expected to disrupt RNA splicing. Variants that disrupt the donor or acceptor splice site typically lead to a loss of protein function (PMID: 16199547), and loss-of-function variants in DMXL2 are known to be pathogenic (PMID: 30237576, 31688942).

Literature cited by the submitters: PubMed 16199547; PubMed 30237576; PubMed 31688942.